The following is an entry in ClinVar:

NC_000009.12:g.109167267C>T

Gene: FRRS1L (ferric chelate reductase 1 like; minus strand). Cytogenetic location: 9q31.3.
Variant type: single nucleotide variant.
Genome position: GRCh38 VCF-style: chr9-109167267-C-T. GRCh37 (hg19) VCF-style: chr9-111929547-C-T.
Identifiers: ClinVar variation 1044658 (VCV001044658.7), dbSNP rs780536078, ClinGen allele CA5177504.

ClinVar aggregate classification (germline): Uncertain significance. Review status: criteria provided, multiple submitters, no conflicts (2 of 4 stars). 2 submissions from 2 submitters: Uncertain significance (2). Last evaluated 2023-02-22.

Conditions:
Developmental and epileptic encephalopathy, 37 (DEE37). Also called: Epileptic encephalopathy, early infantile, 37. Identifiers: MedGen C4310770, MONDO:0014859, OMIM 616981.
Inborn genetic diseases. Identifiers: MedGen C0950123, MeSH D030342.

Allele frequency attached by ClinVar (database versions not stated): ExAC below 0.00001; gnomAD 0.00001; TOPMed 0.00002.

Submissions (2):

Ambry Genetics
Classification: Uncertain significance for Inborn genetic diseases. Last evaluated: 2023-02-22. Review status: criteria provided, single submitter. Criteria: Ambry Variant Classification Scheme 2023. Collection method: clinical testing. Allele origin: germline.

Labcorp Genetics (formerly Invitae), Labcorp
Classification: Uncertain significance for Developmental and epileptic encephalopathy, 37. Last evaluated: 2021-08-28. Review status: criteria provided, single submitter. Criteria: Invitae Variant Classification Sherloc (09022015). Collection method: clinical testing. Allele origin: germline.
Comment: This sequence change replaces glycine with arginine at codon 9 of the FRRS1L protein (p.Gly9Arg). The glycine residue is weakly conserved and there is a moderate physicochemical difference between glycine and arginine. The frequency data for this variant in the population databases is considered unreliable, as metrics indicate poor data quality at this position in the ExAC database. This variant has not been reported in the literature in individuals affected with FRRS1L-related conditions. In summary, the available evidence is currently insufficient to determine the role of this variant in disease. Therefore, it has been classified as a Variant of Uncertain Significance.